The following is an entry in ClinVar:

ClinVar aggregate classification (germline): Uncertain significance. Review status: criteria provided, multiple submitters, no conflicts (2 of 4 stars). 2 submissions from 2 submitters: Uncertain significance (2). Last evaluated 2025-06-03.

Conditions:
Hereditary cancer-predisposing syndrome. Also called: Neoplastic Syndromes, Hereditary; Hereditary neoplastic syndrome; Tumor predisposition; Hereditary Cancer Syndrome. Identifiers: Orphanet 140162, MedGen C0027672, MeSH D009386, MONDO:0015356.
Birt-Hogg-Dube syndrome. Also called: Birt Hogg Dubé syndrome. Identifiers: Orphanet 122, MedGen C0346010, MONDO:0800444.

Allele frequency attached by ClinVar (database versions not stated): gnomAD exomes below 0.00001.
gnomAD v4.1: 2 of 1,614,246 alleles (0.00012%); highest among the groups gnomAD compares: Non-Finnish European, 0.00017%; no homozygotes.

Submissions (2):

Labcorp Genetics (formerly Invitae), Labcorp
Classification: Uncertain significance for Birt-Hogg-Dube syndrome. Last evaluated: 2025-06-03. Review status: criteria provided, single submitter. Criteria: Invitae Variant Classification Sherloc (09022015). Collection method: clinical testing. Allele origin: germline.
Comment: This sequence change replaces leucine, which is neutral and non-polar, with valine, which is neutral and non-polar, at codon 549 of the FLCN protein (p.Leu549Val). This variant is not present in population databases (gnomAD no frequency). This missense change has been observed in individual(s) with Birt–Hogg–Dube´ syndrome (PMID: 27258496). ClinVar contains an entry for this variant (Variation ID: 529996). Invitae Evidence Modeling of protein sequence and biophysical properties (such as structural, functional, and spatial information, amino acid conservation, physicochemical variation, residue mobility, and thermodynamic stability) indicates that this missense variant is not expected to disrupt FLCN protein function with a negative predictive value of 80%. In summary, the available evidence is currently insufficient to determine the role of this variant in disease. Therefore, it has been classified as a Variant of Uncertain Significance.

Ambry Genetics
Classification: Uncertain significance for Hereditary cancer-predisposing syndrome. Last evaluated: 2024-10-30. Review status: criteria provided, single submitter. Criteria: Ambry Variant Classification Scheme 2023. Collection method: clinical testing. Allele origin: germline.
Comment: The p.L549V variant (also known as c.1645C>G), located in coding exon 11 of the FLCN gene, results from a C to G substitution at nucleotide position 1645. The leucine at codon 549 is replaced by valine, an amino acid with highly similar properties. This amino acid position is highly conserved in available vertebrate species. In addition, this alteration is predicted to be deleterious by in silico analysis. Based on the available evidence, the clinical significance of this variant remains unclear.

Literature cited by the submitters: PubMed 27258496 (cited by Labcorp Genetics (formerly Invitae), Labcorp and Ambry Genetics).

NM_144997.7(FLCN):c.1645C>G (p.Leu549Val)

Gene: FLCN (folliculin; minus strand). Cytogenetic location: 17p11.2.
Variant type: single nucleotide variant.
Coding change: c.1645C>G on transcript NM_144997.7 (MANE Select); coding-DNA position 1645, C replaced by G.
Protein change: p.Leu549Val; replaces leucine 549 with valine.
Molecular consequence: missense variant.
Genome position (GRCh38, 1-based): chr17:17,213,750, G>C on the plus strand (C>G on the coding strand, the complement: FLCN is on the minus strand). VCF-style: chr17-17213750-G-C. GRCh37 (hg19) VCF-style: chr17-17117064-G-C.
Other names: c.1645C>G (LRG_325t1); c.1699C>G, p.Leu567Val (NM_001353229.2); c.1645C>G, p.Leu549Val (NM_001353230.2, NM_001353231.2); short protein forms L549V, L567V.
Identifiers: ClinVar variation 529996 (VCV000529996.9), dbSNP rs1555606373, ClinGen allele CA398529946.